The following is an entry in ClinVar:

ClinVar aggregate classification (germline): Pathogenic (1 of 4 stars; one submission).

Conditions:
Autosomal recessive polycystic kidney disease (ARPKD). Also called: AR polycystic kidney disease. Identifiers: Orphanet 731, Orphanet 8378, MedGen C0085548, MeSH D017044, MONDO:0009889.

Submission:

Labcorp Genetics (formerly Invitae), Labcorp
Classification: Pathogenic for Autosomal recessive polycystic kidney disease. Last evaluated: 2024-01-19. Review status: criteria provided, single submitter. Criteria: Invitae Variant Classification Sherloc (09022015). Collection method: clinical testing. Allele origin: unknown.
Comment: This variant is a gross deletion of the genomic region encompassing exon(s) 6-11 of the PKHD1 gene. This deletion is out-of-frame, and is expected to create a premature termination codon and result in an absent or disrupted protein product. Loss-of-function variants in PKHD1 are known to be pathogenic (PMID: 19940839). A similar copy number variant has been observed in individual(s) with polycystic kidney disease (PMID: 33123899). For these reasons, this variant has been classified as Pathogenic.

Literature cited by the submitters: PubMed 19940839; PubMed 33123899.

NC_000006.11:g.(?_51934235)_(51941151_?)del

Gene: PKHD1 (PKHD1 ciliary IPT domain containing fibrocystin/polyductin; minus strand). Cytogenetic location: 6p12.2.
Variant type: Deletion.
Identifiers: ClinVar variation 3245965 (VCV003245965.1).